The following is an entry in ClinVar:

ClinVar aggregate classification (germline): Uncertain significance (1 of 4 stars; one submission).

Conditions:
Myofibrillar myopathy 3 (MFM3). Also called: Muscular dystrophy, proximal, type 1A; Autosomal dominant spheroid body myopathy. Identifiers: Orphanet 266, Orphanet 268129, MedGen C3714934, MONDO:0012215, OMIM 609200.

Submission:

Labcorp Genetics (formerly Invitae), Labcorp
Classification: Uncertain significance for Myofibrillar myopathy 3. Last evaluated: 2022-06-14. Review status: criteria provided, single submitter. Criteria: Invitae Variant Classification Sherloc (09022015). Collection method: clinical testing. Allele origin: germline.
Comment: In summary, the available evidence is currently insufficient to determine the role of this variant in disease. Therefore, it has been classified as a Variant of Uncertain Significance. Algorithms developed to predict the effect of missense changes on protein structure and function (SIFT, PolyPhen-2, Align-GVGD) all suggest that this variant is likely to be tolerated. This variant has not been reported in the literature in individuals affected with MYOT-related conditions. This variant is not present in population databases (gnomAD no frequency). This sequence change replaces serine, which is neutral and polar, with proline, which is neutral and non-polar, at codon 231 of the MYOT protein (p.Ser231Pro).

NM_006790.3(MYOT):c.691T>C (p.Ser231Pro)

Genes: PKD2L2-DT (PKD2L2 divergent transcript; minus strand), MYOT (myotilin; plus strand). Cytogenetic location: 5q31.2.
Variant type: single nucleotide variant.
Coding change: c.691T>C on transcript NM_006790.3 (MANE Select); coding-DNA position 691, T replaced by C.
Protein change: p.Ser231Pro; replaces serine 231 with proline.
Molecular consequence: missense variant.
Genome position (GRCh38, 1-based): chr5:137,881,980, T>C. VCF-style: chr5-137881980-T-C. GRCh37 (hg19) VCF-style: chr5-137217669-T-C.
Other names: c.139T>C, p.Ser47Pro (NM_001135940.2); c.346T>C, p.Ser116Pro (NM_001300911.2); short protein forms S116P, S231P, S47P.
Identifiers: ClinVar variation 1956546 (VCV001956546.5), dbSNP rs745868615, ClinGen allele CA361055019.